The following is an entry in ClinVar:

GRCh38/hg38 16p13.11-12.3(chr16:16450841-18203371)x1

Genes: XYLT1 (xylosyltransferase 1; minus strand), LOC102723692 (uncharacterized LOC102723692; plus strand), LOC111365165 (GATA motif-containing MPRA enhancer 79/80; plus strand), LOC126862301 (BRD4-independent group 4 enhancer GRCh37_chr16:17156208-17157407; plus strand), LOC126862302 (CDK7 strongly-dependent group 2 enhancer GRCh37_chr16:17498817-17500016; plus strand) and 26 more. Cytogenetic location: 16p13.11-12.3.
Variant type: copy number loss.
Change: copy number 1 (one copy instead of two) of chr16:16,450,841-18,203,371 (1.75 Mb, GRCh38 coordinates, 1-based), cytogenetic band 16p13.11-12.3.
Identifiers: ClinVar variation 58733 (VCV000058733.2).

ClinVar aggregate classification (germline): Pathogenic (1 of 4 stars; one submission).

Submission:

ISCA Site 6
Classification: Pathogenic. Last evaluated: 2011-08-12. Review status: criteria provided, single submitter. Criteria: Kaminsky et al. (Genet Med. 2011). Collection method: clinical testing. Allele origin: unknown. Affected: yes. Observed: 1 variant allele.
Comment: Copy number variation identified through the course of routine clinical cytogenomic testing in postnatal populations. Clinical assertions have been curated as described in Kaminsky et al. 2011.